The following is an entry in ClinVar:

NM_006421.5(ARFGEF1):c.2232C>T (p.Asp744=)

Gene: ARFGEF1 (ARF guanine nucleotide exchange factor 1; minus strand). Cytogenetic location: 8q13.2.
Variant type: single nucleotide variant.
Coding change: c.2232C>T on transcript NM_006421.5 (MANE Select); coding-DNA position 2232, C replaced by T.
Protein change: p.Asp744=; no amino-acid change (aspartic acid 744 retained).
Molecular consequence: synonymous variant. On other transcripts: non-coding transcript variant (1).
Genome position (GRCh38, 1-based): chr8:67,259,818, G>A on the plus strand (C>T on the coding strand, the complement: ARFGEF1 is on the minus strand). VCF-style: chr8-67259818-G-A. GRCh37 (hg19) VCF-style: chr8-68172053-G-A.
Other names: c.2232C>T, p.Asp744= (NM_001413184.1, NM_001413185.1, NM_001413186.1 and 7 more transcripts); c.1632C>T, p.Asp544= (NM_001413188.1, NM_001413193.1, NM_001413197.1); c.807C>T, p.Asp269= (NM_001413196.1).
Identifiers: ClinVar variation 4822607 (VCV004822607.4).

ClinVar aggregate classification (germline): Likely benign (1 of 4 stars; one submission).

gnomAD v4.1: 26 of 1,589,638 alleles (0.0016%); highest among the groups gnomAD compares: Admixed American, 0.034%; no homozygotes.

Submission:

CeGaT Center for Human Genetics Tuebingen
Classification: Likely benign. Last evaluated: 2026-03-01. Review status: criteria provided, single submitter. Criteria: CeGaT Center For Human Genetics Tuebingen Variant Classification Criteria Version 2. Collection method: clinical testing. Allele origin: germline. Affected: yes. Observed: 1 variant allele.
Comment: ARFGEF1: BP4, BP7